The following is an entry in ClinVar:

ClinVar aggregate classification (germline): Uncertain significance. Review status: criteria provided, multiple submitters, no conflicts (2 of 4 stars). 2 submissions from 2 submitters: Uncertain significance (2). Last evaluated 2022-02-20.

Conditions:
Cardiovascular phenotype. Identifiers: MedGen CN230736.

Allele frequency attached by ClinVar (database versions not stated): gnomAD exomes below 0.00001; TOPMed below 0.00001; gnomAD 0.00001.
gnomAD v4.1: 4 of 1,550,236 alleles (0.00026%); highest among the groups gnomAD compares: African/African-American, 0.0027%; no homozygotes.

Submissions (2):

Labcorp Genetics (formerly Invitae), Labcorp
Classification: Uncertain significance. Last evaluated: 2022-02-20. Review status: criteria provided, single submitter. Criteria: Invitae Variant Classification Sherloc (09022015). Collection method: clinical testing. Allele origin: germline.
Comment: This sequence change replaces proline, which is neutral and non-polar, with leucine, which is neutral and non-polar, at codon 2487 of the ZNF469 protein (p.Pro2487Leu). This variant is present in population databases (no rsID available, gnomAD 0.01%). This variant has not been reported in the literature in individuals affected with ZNF469-related conditions. Algorithms developed to predict the effect of missense changes on protein structure and function output the following: SIFT: "Tolerated"; PolyPhen-2: "Benign"; Align-GVGD: "Class C0". The leucine amino acid residue is found in multiple mammalian species, which suggests that this missense change does not adversely affect protein function. In summary, the available evidence is currently insufficient to determine the role of this variant in disease. Therefore, it has been classified as a Variant of Uncertain Significance.

Ambry Genetics
Classification: Uncertain significance for Cardiovascular phenotype. Last evaluated: 2021-06-25. Review status: criteria provided, single submitter. Criteria: Ambry Variant Classification Scheme 2023. Collection method: clinical testing. Allele origin: germline.
Comment: The p.P2487L variant (also known as c.7460C>T), located in coding exon 2 of the ZNF469 gene, results from a C to T substitution at nucleotide position 7460. The proline at codon 2487 is replaced by leucine, an amino acid with similar properties. This amino acid position is conserved. In addition, this alteration is predicted to be tolerated by in silico analysis. Since supporting evidence is limited at this time, the clinical significance of this alteration remains unclear.

NM_001367624.2(ZNF469):c.7544C>T (p.Pro2515Leu)

Gene: ZNF469 (zinc finger protein 469; plus strand). Cytogenetic location: 16q24.2.
Variant type: single nucleotide variant.
Coding change: c.7544C>T on transcript NM_001367624.2 (MANE Select); coding-DNA position 7544, C replaced by T.
Protein change: p.Pro2515Leu; replaces proline 2515 with leucine.
Molecular consequence: missense variant.
Genome position (GRCh38, 1-based): chr16:88,435,014, C>T. VCF-style: chr16-88435014-C-T. GRCh37 (hg19) VCF-style: chr16-88501422-C-T.
Other names: NM_001127464.1:c.7460C>T; short protein forms P2515L.
Identifiers: ClinVar variation 1759020 (VCV001759020.4), dbSNP rs1376555407, ClinGen allele CA397113017.